The following is an entry in ClinVar:

ClinVar aggregate classification (germline): Uncertain significance (1 of 4 stars; one submission).

Conditions:
Hereditary cancer-predisposing syndrome. Also called: Neoplastic Syndromes, Hereditary; Tumor predisposition; Hereditary Cancer Syndrome; Hereditary neoplastic syndrome. Identifiers: Orphanet 140162, MedGen C0027672, MeSH D009386, MONDO:0015356.

Submission:

Ambry Genetics
Classification: Uncertain significance for Hereditary cancer-predisposing syndrome. Last evaluated: 2026-05-14. Review status: criteria provided, single submitter. Criteria: Ambry Variant Classification Scheme 2023. Collection method: clinical testing. Allele origin: germline.
Comment: The p.N23S variant (also known as c.68A>G), located in coding exon 1 of the MET gene, results from an A to G substitution at nucleotide position 68. The asparagine at codon 23 is replaced by serine, an amino acid with highly similar properties. This amino acid position is conserved. In addition, this alteration is predicted to be tolerated by in silico analysis. Based on the available evidence, the clinical significance of this variant remains unclear.

NM_000245.4(MET):c.68A>G (p.Asn23Ser)

Gene: MET (MET proto-oncogene, receptor tyrosine kinase; plus strand). Cytogenetic location: 7q31.2.
Variant type: single nucleotide variant.
Coding change: c.68A>G on transcript NM_000245.4 (MANE Select); coding-DNA position 68, A replaced by G.
Protein change: p.Asn23Ser; replaces asparagine 23 with serine.
Molecular consequence: missense variant. On other transcripts: intron variant (1).
Genome position (GRCh38, 1-based): chr7:116,699,152, A>G. VCF-style: chr7-116699152-A-G. GRCh37 (hg19) VCF-style: chr7-116339206-A-G.
Other names: c.68A>G, p.Asn23Ser (NM_001127500.3, NM_001324401.3); c.-91+26575A>G (NM_001324402.2); short protein forms N23S.
Identifiers: ClinVar variation 4859987 (VCV004859987.1).
Genomic context (GRCh38, chr7:116,699,152, plus strand): 5'-CCCCCGCTGTGCTTGCACCTGGCATCCTCGTGCTCCTGTTTACCTTGGTGCAGAGGAGCA[A>G]TGGGGAGTGTAAAGAGGCACTAGCAAAGTCCGAGATGAATGTGAATATGAAGTATCAGCT-3'
Protein context (NP_000236.2, residues 13-33): VLLFTLVQRS[Asn23Ser]GECKEALAKS